The following is an entry in ClinVar:

ClinVar aggregate classification (germline): Benign. Review status: reviewed by expert panel (3 of 4 stars). 8 submissions from 8 submitters: Benign (1). 7 of the submissions do not count toward it. Last evaluated 2015-01-12.
ClinVar aggregate classification (somatic clinical impact): Tier IV - Benign/Likely benign (0 of 4 stars; one submission).

Conditions:
Breast-ovarian cancer, familial, susceptibility to, 1 (BROVCA1). Also called: BRCA1 Hereditary Breast and Ovarian Cancer; OVARIAN CANCER, SUSCEPTIBILITY TO. Identifiers: Orphanet 145, MedGen C2676676, MONDO:0011450, OMIM 604370. Disease mechanism: loss of function.
Familial cancer of breast. Also called: Hereditary breast cancer; hereditary breast carcinoma; BREAST CANCER, FAMILIAL. Identifiers: Orphanet 227535, MedGen C0346153, MONDO:0016419, OMIM 114480. Disease mechanism: loss of function.

Allele frequency attached by ClinVar (database versions not stated): TOPMed 0.45481; 1000 Genomes Project 0.50240; 1000 Genomes Project 30x 0.50406.
gnomAD v4.1: 356,469 of 942,952 alleles (38%); highest among the groups gnomAD compares: African/African-American, 69%; 72,968 homozygotes.

Submissions (9):

Evidence-based Network for the Interpretation of Germline Mutant Alleles (ENIGMA)
Classification: Benign for Breast-ovarian cancer, familial 1. Last evaluated: 2015-01-12. Review status: reviewed by expert panel. Criteria: ENIGMA BRCA1/2 Classification Criteria (2015). Collection method: curation. Allele origin: germline.
Comment: Class 1 not pathogenic based on frequency >1% in an outbred sampleset. Frequency 0.3304 (Asian), 0.2846 (African), 0.3681 (European), derived from 1000 genomes (2012-04-30).

GeneDx
Classification: Benign. Last evaluated: 2018-06-23. Review status: criteria provided, single submitter. Criteria: GeneDx Variant Classification Process June 2021. Collection method: clinical testing. Allele origin: germline. Affected: yes. Not counted in ClinVar's aggregate classification.

GeneKor MSA
Classification: Benign. Last evaluated: 2017-11-01. Review status: criteria provided, single submitter. Criteria: ACMG Guidelines, 2015. Collection method: clinical testing. Allele origin: germline. Affected: yes. Not counted in ClinVar's aggregate classification.

Genome Diagnostics Laboratory, University Medical Center Utrecht
Classification: Benign for Breast-ovarian cancer, familial, susceptibility to, 1. Last evaluated: 2014-10-09. Review status: criteria provided, single submitter. Criteria: ACGS Guidelines, 2013. Collection method: clinical testing. Allele origin: germline. Affected: yes. Study: VKGL Data-share Consensus. Not counted in ClinVar's aggregate classification.

Breakthrough Genomics
Classification: Benign. Review status: criteria provided, single submitter. Criteria: ACMG Guidelines, 2015. Collection method: not provided. Allele origin: germline. Inheritance: Autosomal recessive inheritance. Affected: yes. Not counted in ClinVar's aggregate classification.

Breast Cancer Information Core (BIC) (BRCA1)
Classification: Uncertain significance for Breast-ovarian cancer, familial 1. Last evaluated: 2009-08-07. Review status: no assertion criteria provided. Collection method: clinical testing. Allele origin: unknown. Affected: yes. Observed: 9 variant alleles. Not counted in ClinVar's aggregate classification.

Clinical Genetics Laboratory, Department of Pathology, Netherlands Cancer Institute
Classification: Benign. Review status: no assertion criteria provided. Collection method: clinical testing. Allele origin: germline. Affected: yes. Study: VKGL Data-share Consensus. Not counted in ClinVar's aggregate classification.

Faculté Pluridciplinaire Nador, Université Mohamed Premier
Classification: Tier IV - Benign/Likely benign for Familial cancer of breast. Review status: no assertion criteria provided. Collection method: research. Allele origin: somatic. Affected: yes.
Comment: The following databases and algorithms are used to annotate and evaluate the impact of the variant in the context of human disease: 1000 genomes, gnomAD, ClinVar, OMIM, dbSNP, NCIB RefSeq Genes, ExAC Gene Constraints, VS-SIFT, VS-PolyPhen2, PhyloP, GERP++, GeneSplicer, MaxEntScan, NNSplice, PWM Splice Predictor.

Genomic Research Center, Shahid Beheshti University of Medical Sciences
No classification provided. Condition: Familial cancer of breast. Review status: no classification provided. Collection method: not provided. Allele origin: somatic. Not counted in ClinVar's aggregate classification.
ClinVar note: Converted during submission from untested to not provided.

NM_007294.4(BRCA1):c.4097-141A>C

Genes: BRCA1 (BRCA1 DNA repair associated; minus strand), LOC126862571 (BRD4-independent group 4 enhancer GRCh37_chr17:41243136-41244335; plus strand). Cytogenetic location: 17q21.31.
Variant type: single nucleotide variant.
Coding change: c.4097-141A>C on transcript NM_007294.4 (MANE Select); 141 bases into the intron before coding-DNA position 4097, A replaced by C.
Molecular consequence: intron variant.
Genome position (GRCh38, 1-based): chr17:43,091,173, T>G on the plus strand (A>C on the coding strand, the complement: BRCA1 is on the minus strand). VCF-style: chr17-43091173-T-G. GRCh37 (hg19) VCF-style: chr17-41243190-T-G.
Other names: IVS12-141A>C; IVS 11-141A>C; c.4097-141A>C (NM_001407620.1, NM_001407597.1, NM_001407582.1 and 30 more transcripts); c.3884-141A>C (NM_001407917.1, NM_001407897.1, NM_001407898.1 and 9 more transcripts); c.644-141A>C (NM_001408462.1, NM_001408470.1, NM_001408464.1 and 3 more transcripts); c.3887-141A>C (NM_001407902.1, NM_001407908.1, NM_001407882.1 and 13 more transcripts); c.710-141A>C (NM_001408414.1, NM_001408411.1, NM_001408415.1 and 2 more transcripts); c.4019-141A>C (NM_001407655.1, NM_001407656.1, NM_001407657.1 and 4 more transcripts); and 43 more.
Identifiers: ClinVar variation 125674 (VCV000125674.9), dbSNP rs799916, ClinGen allele CA002623.